The following is an entry in ClinVar:

NM_014000.3(VCL):c.3140C>T (p.Thr1047Ile)

Gene: VCL (vinculin; plus strand). Cytogenetic location: 10q22.2.
Variant type: single nucleotide variant.
Coding change: c.3140C>T on transcript NM_014000.3 (MANE Select); coding-DNA position 3140, C replaced by T.
Protein change: p.Thr1047Ile; replaces threonine 1047 with isoleucine.
Molecular consequence: missense variant.
Genome position (GRCh38, 1-based): chr10:74,114,374, C>T. VCF-style: chr10-74114374-C-T. GRCh37 (hg19) VCF-style: chr10-75874132-C-T.
Other names: c.2936C>T, p.Thr979Ile (NM_003373.4); short protein forms T979I, T1047I.
Identifiers: ClinVar variation 2099285 (VCV002099285.5), dbSNP rs2549237265, ClinGen allele CA377267211.

ClinVar aggregate classification (germline): Uncertain significance. Review status: criteria provided, multiple submitters, no conflicts (2 of 4 stars). 2 submissions from 2 submitters: Uncertain significance (2). Last evaluated 2023-11-13.

Conditions:
Dilated cardiomyopathy 1W (CMD1W). Identifiers: Orphanet 154, MedGen C1969639, MONDO:0012667, OMIM 611407.

Submissions (2):

GeneDx
Classification: Uncertain significance. Last evaluated: 2023-11-13. Review status: criteria provided, single submitter. Criteria: GeneDx Variant Classification Process June 2021. Collection method: clinical testing. Allele origin: germline. Affected: yes.
Comment: Not observed at significant frequency in large population cohorts (gnomAD); In silico analysis supports that this missense variant has a deleterious effect on protein structure/function; Has not been previously published as pathogenic or benign to our knowledge

Labcorp Genetics (formerly Invitae), Labcorp
Classification: Uncertain significance for Dilated cardiomyopathy 1W. Last evaluated: 2022-02-19. Review status: criteria provided, single submitter. Criteria: Invitae Variant Classification Sherloc (09022015). Collection method: clinical testing. Allele origin: germline.
Comment: In summary, the available evidence is currently insufficient to determine the role of this variant in disease. Therefore, it has been classified as a Variant of Uncertain Significance. This sequence change replaces threonine, which is neutral and polar, with isoleucine, which is neutral and non-polar, at codon 1047 of the VCL protein (p.Thr1047Ile). This variant is not present in population databases (gnomAD no frequency). Algorithms developed to predict the effect of missense changes on protein structure and function are either unavailable or do not agree on the potential impact of this missense change (SIFT: "Not Available"; PolyPhen-2: "Probably Damaging"; Align-GVGD: "Not Available"). This variant has not been reported in the literature in individuals affected with VCL-related conditions.